The following is an entry in ClinVar:

ClinVar aggregate classification (germline): Uncertain significance (1 of 4 stars; one submission).

Conditions:
Loeys-Dietz syndrome 2 (LDS2). Also called: TGFBR2-Related Loeys-Dietz Syndrome; Marfan syndrome, type 2 (formerly); AORTIC ANEURYSM, FAMILIAL THORACIC 3; MARFAN SYNDROME, TYPE II; Marfan Syndrome type 2; Marfan like connective tissue disorder. Identifiers: Orphanet 284973, Orphanet 558, MedGen C2674574, MONDO:0012427, OMIM 610168.

Submission:

Labcorp Genetics (formerly Invitae), Labcorp
Classification: Uncertain significance for Loeys-Dietz syndrome 2. Last evaluated: 2025-09-22. Review status: criteria provided, single submitter. Criteria: Invitae Variant Classification Sherloc (09022015). Collection method: clinical testing. Allele origin: germline.
Comment: This sequence change creates a premature translational stop signal (p.Thr621Ilefs*2) in the TMPO gene. While this is not anticipated to result in nonsense mediated decay, it is expected to disrupt the last 74 amino acid(s) of the TMPO protein. This variant is not present in population databases (gnomAD no frequency). This variant has not been reported in the literature in individuals affected with TMPO-related conditions. ClinVar contains an entry for this variant (Variation ID: 3671385). In summary, the available evidence is currently insufficient to determine the role of this variant in disease. Therefore, it has been classified as a Variant of Uncertain Significance.

NM_001032283.3(TMPO):c.565+2281_565+2282del

Gene: TMPO (thymopoietin; plus strand). Cytogenetic location: 12q23.1.
Variant type: Deletion.
Coding change: c.565+2281_565+2282del on transcript NM_001032283.3 (MANE Select); bases 2281 to 2282 of the intron after coding-DNA position 565, 2 bases deleted (CA; older notation c.565+2281_565+2282delCA).
Molecular consequence: intron variant. On other transcripts: frameshift variant (1).
Genome position (GRCh38, 1-based): chr12:98,534,119-98,534,120, CA deleted; deleting any 2 consecutive bases within chr12:98,534,118-98,534,120 gives the same sequence; the c. name uses the placement nearest the transcript's 3' end. VCF-style (leftmost placement, unchanged base first): chr12-98534117-AAC-A. GRCh37 (hg19) VCF-style: chr12-98927895-AAC-A.
Other names: c.1862_1863del, p.Thr621fs (NM_003276.2); c.565+2281_565+2282del (NM_001307975.2, NM_001032284.3); short protein forms T621fs.
Identifiers: ClinVar variation 3671385 (VCV003671385.2).